The following is an entry in ClinVar:

NM_000937.5(POLR2A):c.820-23_820-22del

Gene: POLR2A (RNA polymerase II subunit A; plus strand). Cytogenetic location: 17p13.1.
Variant type: Deletion.
Coding change: c.820-23_820-22del on transcript NM_000937.5 (MANE Select); 23 bases into the intron before coding-DNA position 820 through 22 bases into the intron before coding-DNA position 820, 2 bases deleted (AT; older notation c.820-23_820-22delAT).
Molecular consequence: intron variant.
Genome position (GRCh38, 1-based): chr17:7,497,333-7,497,334, AT deleted. VCF-style (leftmost placement, unchanged base first): chr17-7497332-GAT-G. GRCh37 (hg19) VCF-style: chr17-7400651-GAT-G.
Identifiers: ClinVar variation 4855015 (VCV004855015.1).

ClinVar aggregate classification (germline): Uncertain significance (1 of 4 stars; one submission).

Conditions:
Neurodevelopmental disorder with hypotonia and variable intellectual and behavioral abnormalities. Identifiers: MedGen C5231423, MONDO:0032829, OMIM 618603.

Submission:

3billion
Classification: Uncertain significance for Neurodevelopmental disorder with hypotonia and variable intellectual and behavioral abnormalities. Last evaluated: 2025-08-21. Review status: criteria provided, single submitter. Criteria: ACMG Guidelines, 2015. Collection method: clinical testing. Allele origin: germline. Affected: yes.
Comment: The variant is not observed in the gnomAD v4.1.0 dataset. Predicted Consequence/Location: Intron variant In silico tools predict the variant to alter splicing and produce an abnormal transcript [SpliceAI: 0.20 (>=0.2, moderate evidence for spliceogenicity)]. Therefore, this variant is classified as VUS according to the recommendation of ACMG/AMP guideline.